The following is an entry in ClinVar:

NM_014363.6(SACS):c.475T>C (p.Tyr159His)

Gene: SACS (sacsin molecular chaperone; minus strand). Cytogenetic location: 13q12.12.
Variant type: single nucleotide variant.
Coding change: c.475T>C on transcript NM_014363.6 (MANE Select); coding-DNA position 475, T replaced by C.
Protein change: p.Tyr159His; replaces tyrosine 159 with histidine.
Molecular consequence: missense variant.
Genome position (GRCh38, 1-based): chr13:23,358,464, A>G on the plus strand (T>C on the coding strand, the complement: SACS is on the minus strand). VCF-style: chr13-23358464-A-G. GRCh37 (hg19) VCF-style: chr13-23932603-A-G.
Other names: c.475T>C (NM_014363.4); c.34T>C, p.Tyr12His (NM_001278055.2); short protein forms Y159H, Y12H.
Identifiers: ClinVar variation 949829 (VCV000949829.9), dbSNP rs1305721973, ClinGen allele CA387552158.

ClinVar aggregate classification (germline): Uncertain significance. Review status: criteria provided, multiple submitters, no conflicts (2 of 4 stars). 4 submissions from 4 submitters: Uncertain significance (3). 1 of the submissions does not count toward it. Last evaluated 2026-04-23.

Conditions:
Inborn genetic diseases. Identifiers: MedGen C0950123, MeSH D030342.
Charlevoix-Saguenay spastic ataxia (SACS). Also called: Spastic ataxia of Charlevoix-Saguenay; SPASTIC ATAXIA 6, AUTOSOMAL RECESSIVE; AUTOSOMAL RECESSIVE SPASTIC ATAXIA OF CHARLEVOIX-SAGUENAY. Identifiers: Orphanet 98, MedGen C1849140, MONDO:0010041, OMIM 270550.
SACS-related disorder. Also called: SACS-related condition.
Spastic paraplegia. Identifiers: MedGen C0037772, HP:0001258.

Allele frequency attached by ClinVar (database versions not stated): gnomAD exomes below 0.00001; gnomAD 0.00001; TOPMed 0.00001.
gnomAD v4.1: 3 of 1,614,022 alleles (0.00019%); highest among the groups gnomAD compares: Non-Finnish European, 0.00025%; no homozygotes.

Submissions (4):

PreventionGenetics, part of Exact Sciences
Classification: Uncertain significance for SACS-related condition. Last evaluated: 2026-04-23. Review status: criteria provided, single submitter. Criteria: ACMG Guidelines, 2015. Collection method: clinical testing. Allele origin: germline.
Comment: The SACS c.475T>C variant is predicted to result in the amino acid substitution p.Tyr159His. To our knowledge, this variant has not been reported in the literature. This variant is reported in 0.00088% of alleles in individuals of European (Non-Finnish) descent in gnomAD. At this time, the clinical significance of this variant is uncertain due to the absence of conclusive functional and genetic evidence.

Ambry Genetics
Classification: Uncertain significance for Inborn genetic diseases. Last evaluated: 2023-04-20. Review status: criteria provided, single submitter. Criteria: Ambry Variant Classification Scheme 2023. Collection method: clinical testing. Allele origin: germline.

Labcorp Genetics (formerly Invitae), Labcorp
Classification: Uncertain significance for Spastic paraplegia. Last evaluated: 2021-08-27. Review status: criteria provided, single submitter. Criteria: Invitae Variant Classification Sherloc (09022015). Collection method: clinical testing. Allele origin: germline.
Comment: This sequence change replaces tyrosine with histidine at codon 159 of the SACS protein (p.Tyr159His). The tyrosine residue is moderately conserved and there is a moderate physicochemical difference between tyrosine and histidine. This variant is not present in population databases (ExAC no frequency). This variant has not been reported in the literature in individuals affected with SACS-related conditions. Algorithms developed to predict the effect of missense changes on protein structure and function are either unavailable or do not agree on the potential impact of this missense change (SIFT: "Deleterious"; PolyPhen-2: "Probably Damaging"; Align-GVGD: "Class C0"). In summary, the available evidence is currently insufficient to determine the role of this variant in disease. Therefore, it has been classified as a Variant of Uncertain Significance.

Natera, Inc.
Classification: Uncertain significance for Charlevoix-Saguenay type spastic ataxia. Last evaluated: 2020-02-13. Review status: no assertion criteria provided. Collection method: clinical testing. Allele origin: germline. Not counted in ClinVar's aggregate classification.